The following is an entry in ClinVar:

NM_001033855.3(DCLRE1C):c.1039A>G (p.Thr347Ala)

Gene: DCLRE1C (DNA cross-link repair 1C; minus strand). Cytogenetic location: 10p13.
Variant type: single nucleotide variant.
Coding change: c.1039A>G on transcript NM_001033855.3 (MANE Select); coding-DNA position 1039, A replaced by G.
Protein change: p.Thr347Ala; replaces threonine 347 with alanine.
Molecular consequence: missense variant. On other transcripts: non-coding transcript variant (4).
Genome position (GRCh38, 1-based): chr10:14,923,003, T>C on the plus strand (A>G on the coding strand, the complement: DCLRE1C is on the minus strand). VCF-style: chr10-14923003-T-C. GRCh37 (hg19) VCF-style: chr10-14965002-T-C.
Other names: c.679A>G, p.Thr227Ala (NM_001350967.2, NM_001033857.3, NM_001033858.3 and 2 more transcripts); c.694A>G, p.Thr232Ala (NM_022487.4, NM_001289076.2, NM_001289078.2 and 1 more transcripts); c.1039A>G, p.Thr347Ala (NM_001350965.2); short protein forms T227A, T347A, T232A.
Identifiers: ClinVar variation 1949823 (VCV001949823.5), dbSNP rs1383857269, ClinGen allele CA376055512.

ClinVar aggregate classification (germline): Uncertain significance (1 of 4 stars; one submission).

Conditions:
Severe combined immunodeficiency due to DCLRE1C deficiency (RS-SCID). Also called: SCID, AUTOSOMAL RECESSIVE, T CELL-NEGATIVE, B CELL-NEGATIVE, NK CELL-POSITIVE, WITH SENSITIVITY TO IONIZING RADIATION. Identifiers: Orphanet 275, MedGen C1865371, MONDO:0011225, OMIM 602450.

Allele frequency attached by ClinVar (database versions not stated): gnomAD 0.00001; TOPMed 0.00001; gnomAD exomes below 0.00001.
gnomAD v4.1: 2 of 1,613,996 alleles (0.00012%); highest among the groups gnomAD compares: East Asian, 0.0022%; no homozygotes.

Submission:

Labcorp Genetics (formerly Invitae), Labcorp
Classification: Uncertain significance for Athabaskan severe combined immunodeficiency. Last evaluated: 2022-05-12. Review status: criteria provided, single submitter. Criteria: Invitae Variant Classification Sherloc (09022015). Collection method: clinical testing. Allele origin: germline.
Comment: This sequence change replaces threonine, which is neutral and polar, with alanine, which is neutral and non-polar, at codon 347 of the DCLRE1C protein (p.Thr347Ala). In summary, the available evidence is currently insufficient to determine the role of this variant in disease. Therefore, it has been classified as a Variant of Uncertain Significance. Algorithms developed to predict the effect of missense changes on protein structure and function are either unavailable or do not agree on the potential impact of this missense change (SIFT: "Tolerated"; PolyPhen-2: "Possibly Damaging"; Align-GVGD: "Class C0"). This variant has not been reported in the literature in individuals affected with DCLRE1C-related conditions. This variant is not present in population databases (gnomAD no frequency).